The following is an entry in ClinVar:

ClinVar aggregate classification (germline): Uncertain significance (1 of 4 stars; one submission).

Conditions:
Hereditary cancer-predisposing syndrome. Also called: Neoplastic Syndromes, Hereditary; Hereditary Cancer Syndrome; Tumor predisposition; Hereditary neoplastic syndrome. Identifiers: Orphanet 140162, MedGen C0027672, MeSH D009386, MONDO:0015356.

Submission:

Ambry Genetics
Classification: Uncertain significance for Hereditary cancer-predisposing syndrome. Last evaluated: 2023-03-02. Review status: criteria provided, single submitter. Criteria: Ambry Variant Classification Scheme 2023. Collection method: clinical testing. Allele origin: germline.
Comment: The p.Q456P variant (also known as c.1367A>C), located in coding exon 9 of the CTNNA1 gene, results from an A to C substitution at nucleotide position 1367. The glutamine at codon 456 is replaced by proline, an amino acid with similar properties. This amino acid position is conserved. In addition, this alteration is predicted to be deleterious by in silico analysis. Since supporting evidence is limited at this time, the clinical significance of this alteration remains unclear.

NM_001903.5(CTNNA1):c.1367A>C (p.Gln456Pro)

Gene: CTNNA1 (catenin alpha 1; plus strand). Cytogenetic location: 5q31.2.
Variant type: single nucleotide variant.
Coding change: c.1367A>C on transcript NM_001903.5 (MANE Select); coding-DNA position 1367, A replaced by C.
Protein change: p.Gln456Pro; replaces glutamine 456 with proline.
Molecular consequence: missense variant. On other transcripts: 5 prime UTR variant (4), intron variant (3).
Genome position (GRCh38, 1-based): chr5:138,904,419, A>C. VCF-style: chr5-138904419-A-C. GRCh37 (hg19) VCF-style: chr5-138240108-A-C.
Other names: c.1367A>C, p.Gln456Pro (NM_001290307.3, NM_001323982.2, NM_001323983.1 and 2 more transcripts); c.1058A>C, p.Gln353Pro (NM_001290309.3); c.998A>C, p.Gln333Pro (NM_001290310.3); c.257A>C, p.Gln86Pro (NM_001290312.1, NM_001323987.1, NM_001323988.1 and 17 more transcripts); c.-141A>C (NM_001324006.1, NM_001324007.1, NM_001324008.1 and 1 more transcripts); c.14A>C, p.Gln5Pro (NM_001324012.1, NM_001324013.1); c.1297-13323A>C (NM_001323986.2); c.187-13323A>C (NM_001324011.1); and 1 more; short protein forms Q333P, Q353P, Q456P, Q5P, Q86P.
Identifiers: ClinVar variation 2448353 (VCV002448353.2), dbSNP rs2533354130, ClinGen allele CA361136007.